The following is an entry in ClinVar:

NM_021147.5(CCNO):c.381+8G>A

Gene: CCNO (cyclin O; minus strand). Cytogenetic location: 5q11.2.
Variant type: single nucleotide variant.
Coding change: c.381+8G>A on transcript NM_021147.5 (MANE Select); 8 bases into the intron after coding-DNA position 381, G replaced by A.
Molecular consequence: intron variant. On other transcripts: non-coding transcript variant (1).
Genome position (GRCh38, 1-based): chr5:55,233,135, C>T on the plus strand (G>A on the coding strand, the complement: CCNO is on the minus strand). VCF-style: chr5-55233135-C-T. GRCh37 (hg19) VCF-style: chr5-54528963-C-T.
Identifiers: ClinVar variation 2723414 (VCV002723414.3), dbSNP rs757379260, ClinGen allele CA645541422.

ClinVar aggregate classification (germline): Uncertain significance (1 of 4 stars; one submission).

Conditions:
Primary ciliary dyskinesia. Also called: Ciliary dyskinesia. Identifiers: Orphanet 244, MedGen C0008780, MONDO:0016575, HP:0012265.

Submission:

Labcorp Genetics (formerly Invitae), Labcorp
Classification: Uncertain significance for Primary ciliary dyskinesia. Last evaluated: 2025-11-24. Review status: criteria provided, single submitter. Criteria: Invitae Variant Classification Sherloc (09022015). Collection method: clinical testing. Allele origin: germline.
Comment: This sequence change falls in intron 1 of the CCNO gene. It does not directly change the encoded amino acid sequence of the CCNO protein. This variant is not present in population databases (gnomAD no frequency). This variant has been observed in individual(s) with CCNO-related conditions (internal data). ClinVar contains an entry for this variant (Variation ID: 2723414). Algorithms developed to predict the effect of sequence changes on RNA splicing suggest that this variant may disrupt the consensus splice site. In summary, the available evidence is currently insufficient to determine the role of this variant in disease. Therefore, it has been classified as a Variant of Uncertain Significance.